The following is an entry in ClinVar:

NM_002470.4(MYH3):c.38C>T (p.Ala13Val)

Gene: MYH3 (myosin heavy chain 3; minus strand). Cytogenetic location: 17p13.1.
Variant type: single nucleotide variant.
Coding change: c.38C>T on transcript NM_002470.4 (MANE Select); coding-DNA position 38, C replaced by T.
Protein change: p.Ala13Val; replaces alanine 13 with valine.
Molecular consequence: missense variant.
Genome position (GRCh38, 1-based): chr17:10,655,027, G>A on the plus strand (C>T on the coding strand, the complement: MYH3 is on the minus strand). VCF-style: chr17-10655027-G-A. GRCh37 (hg19) VCF-style: chr17-10558344-G-A.
Other names: c.38C>T (NM_002470.3); short protein forms A13V.
Identifiers: ClinVar variation 1926394 (VCV001926394.29), dbSNP rs780640092, ClinGen allele CA8393423.

ClinVar aggregate classification (germline): Uncertain significance. Review status: criteria provided, multiple submitters, no conflicts (2 of 4 stars). 3 submissions from 3 submitters: Uncertain significance (3). Last evaluated 2025-07-06.

Conditions:
Inborn genetic diseases. Identifiers: MedGen C0950123, MeSH D030342.

Allele frequency attached by ClinVar (database versions not stated): gnomAD 0.00001; ExAC 0.00002; TOPMed 0.00002.
gnomAD v4.1: 23 of 1,614,086 alleles (0.0014%); highest among the groups gnomAD compares: Admixed American, 0.0033%; no homozygotes.

Submissions (3):

Labcorp Genetics (formerly Invitae), Labcorp
Classification: Uncertain significance. Last evaluated: 2025-07-06. Review status: criteria provided, single submitter. Criteria: Invitae Variant Classification Sherloc (09022015). Collection method: clinical testing. Allele origin: germline.
Comment: This sequence change replaces alanine, which is neutral and non-polar, with valine, which is neutral and non-polar, at codon 13 of the MYH3 protein (p.Ala13Val). This variant is present in population databases (rs780640092, gnomAD 0.004%). This variant has not been reported in the literature in individuals affected with MYH3-related conditions. ClinVar contains an entry for this variant (Variation ID: 1926394). Invitae Evidence Modeling of protein sequence and biophysical properties (such as structural, functional, and spatial information, amino acid conservation, physicochemical variation, residue mobility, and thermodynamic stability) has been performed for this missense variant. However, the output from this modeling did not meet the statistical confidence thresholds required to predict the impact of this variant on MYH3 protein function. In summary, the available evidence is currently insufficient to determine the role of this variant in disease. Therefore, it has been classified as a Variant of Uncertain Significance.

Ambry Genetics
Classification: Uncertain significance for Inborn genetic diseases. Last evaluated: 2025-03-30. Review status: criteria provided, single submitter. Criteria: Ambry Variant Classification Scheme 2023. Collection method: clinical testing. Allele origin: germline.

CeGaT Center for Human Genetics Tuebingen
Classification: Uncertain significance. Last evaluated: 2022-09-01. Review status: criteria provided, single submitter. Criteria: CeGaT Center For Human Genetics Tuebingen Variant Classification Criteria Version 2. Collection method: clinical testing. Allele origin: germline. Affected: yes. Observed: 1 variant allele.
Comment: MYH3: PM2:Supporting, PP3